The following is an entry in ClinVar:

ClinVar aggregate classification (germline): Uncertain significance (1 of 4 stars; one submission).

Conditions:
Cardiovascular phenotype. Identifiers: MedGen CN230736.

Submission:

Ambry Genetics
Classification: Uncertain significance for Cardiovascular phenotype. Last evaluated: 2026-07-02. Review status: criteria provided, single submitter. Criteria: Ambry Variant Classification Scheme 2023. Collection method: clinical testing. Allele origin: germline.
Comment: The c.905T>G (p.L302R) alteration is located in exon 11 (coding exon 9) of the MYH6 gene. This alteration results from a T to G substitution at nucleotide position 905, causing the leucine (L) at amino acid position 302 to be replaced by an arginine (R). This variant was not reported in population-based cohorts in the Genome Aggregation Database (gnomAD). This amino acid position is highly conserved in available vertebrate species. This alteration is predicted to be deleterious by in silico analysis. Based on insufficient or conflicting evidence, the clinical significance of this alteration remains unclear.

NM_002471.4(MYH6):c.905T>G (p.Leu302Arg)

Gene: MYH6 (myosin heavy chain 6; minus strand). Cytogenetic location: 14q11.2.
Variant type: single nucleotide variant.
Coding change: c.905T>G on transcript NM_002471.4 (MANE Select); coding-DNA position 905, T replaced by G.
Protein change: p.Leu302Arg; replaces leucine 302 with arginine.
Molecular consequence: missense variant.
Genome position (GRCh38, 1-based): chr14:23,402,794, A>C on the plus strand (T>G on the coding strand, the complement: MYH6 is on the minus strand). VCF-style: chr14-23402794-A-C. GRCh37 (hg19) VCF-style: chr14-23872003-A-C.
Other names: short protein forms L302R.
Identifiers: ClinVar variation 5025150 (VCV005025150.1).